The following is an entry in ClinVar:

NM_006767.4(LZTR1):c.763C>G (p.Leu255Val)

Gene: LZTR1 (leucine zipper like post translational regulator 1; plus strand). Cytogenetic location: 22q11.21.
Variant type: single nucleotide variant.
Coding change: c.763C>G on transcript NM_006767.4 (MANE Select); coding-DNA position 763, C replaced by G.
Protein change: p.Leu255Val; replaces leucine 255 with valine.
Molecular consequence: missense variant.
Genome position (GRCh38, 1-based): chr22:20,990,497, C>G. VCF-style: chr22-20990497-C-G. GRCh37 (hg19) VCF-style: chr22-21344786-C-G.
Other names: short protein forms L255V.
Identifiers: ClinVar variation 2447740 (VCV002447740.2), dbSNP rs2518615880, ClinGen allele CA410780651.

ClinVar aggregate classification (germline): Uncertain significance (1 of 4 stars; one submission).

Conditions:
Cardiovascular phenotype. Identifiers: MedGen CN230736.
Hereditary cancer-predisposing syndrome. Also called: Neoplastic Syndromes, Hereditary; Hereditary Cancer Syndrome; Tumor predisposition; Hereditary neoplastic syndrome. Identifiers: Orphanet 140162, MedGen C0027672, MeSH D009386, MONDO:0015356.

Submission:

Ambry Genetics
Classification: Uncertain significance for Cardiovascular phenotype; Hereditary cancer-predisposing syndrome. Last evaluated: 2023-01-15. Review status: criteria provided, single submitter. Criteria: Ambry Variant Classification Scheme 2023. Collection method: clinical testing. Allele origin: germline.
Comment: The p.L255V variant (also known as c.763C>G), located in coding exon 8 of the LZTR1 gene, results from a C to G substitution at nucleotide position 763. The leucine at codon 255 is replaced by valine, an amino acid with highly similar properties. This amino acid position is conserved. In addition, the in silico prediction for this alteration is inconclusive. Since supporting evidence is limited at this time, the clinical significance of this alteration remains unclear.